The following is an entry in ClinVar:

ClinVar aggregate classification (germline): Uncertain significance (1 of 4 stars; one submission).

Submission:

Ambry Genetics
Classification: Uncertain significance. Last evaluated: 2022-12-27. Review status: criteria provided, single submitter. Criteria: Ambry Variant Classification Scheme 2023. Collection method: clinical testing. Allele origin: germline.
Comment: The p.A1948V variant (also known as c.5843C>T), located in coding exon 43 of the PRKDC gene, results from a C to T substitution at nucleotide position 5843. The alanine at codon 1948 is replaced by valine, an amino acid with similar properties. This amino acid position is conserved. Since supporting evidence is limited at this time, the clinical significance of this alteration remains unclear.

NM_006904.7(PRKDC):c.5843C>T (p.Ala1948Val)

Gene: PRKDC (protein kinase, DNA-activated, catalytic subunit; minus strand). Cytogenetic location: 8q11.21.
Variant type: single nucleotide variant.
Coding change: c.5843C>T on transcript NM_006904.7 (MANE Select); coding-DNA position 5843, C replaced by T.
Protein change: p.Ala1948Val; replaces alanine 1948 with valine.
Molecular consequence: missense variant.
Genome position (GRCh38, 1-based): chr8:47,862,449, G>A on the plus strand (C>T on the coding strand, the complement: PRKDC is on the minus strand). VCF-style: chr8-47862449-G-A. GRCh37 (hg19) VCF-style: chr8-48775010-G-A.
Other names: c.5843C>T, p.Ala1948Val (NM_001081640.2); short protein forms A1948V.
Identifiers: ClinVar variation 2497428 (VCV002497428.2), dbSNP rs2551870683, ClinGen allele CA371162341.
Genomic context (GRCh38, chr8:47,862,449, plus strand): 5'-CTAAACAGAAAACCTTGGTAAAATTTTAACTCATTGAAGACACAGCAGATGACAGATATG[G>A]CGCAGTTGTATGCTGCACAATGGTAAAGTCTTCTCCTCTCCAGCAGCTGATTCTCTCCTG-3'
Protein context (NP_008835.5, residues 1938-1958): RLYHCAAYNC[Ala1948Val]ISVICCVFNE